The following is an entry in ClinVar:

ClinVar aggregate classification (germline): Uncertain significance (1 of 4 stars; one submission).

Conditions:
Familial adenomatous polyposis 1 (FAP1). Also called: FAMILIAL ADENOMATOUS POLYPOSIS 1, ATTENUATED; POLYPOSIS, ADENOMATOUS INTESTINAL. Identifiers: MedGen C2713442, MONDO:0021056, OMIM 175100. Disease mechanism: loss of function.

Submission:

Labcorp Genetics (formerly Invitae), Labcorp
Classification: Uncertain significance for Familial adenomatous polyposis 1. Last evaluated: 2022-02-20. Review status: criteria provided, single submitter. Criteria: Invitae Variant Classification Sherloc (09022015). Collection method: clinical testing. Allele origin: germline.
Comment: In summary, the available evidence is currently insufficient to determine the role of this variant in disease. Therefore, it has been classified as a Variant of Uncertain Significance. Algorithms developed to predict the effect of missense changes on protein structure and function are either unavailable or do not agree on the potential impact of this missense change (SIFT: "Deleterious"; PolyPhen-2: "Benign"; Align-GVGD: "Class C15"). This variant has not been reported in the literature in individuals affected with APC-related conditions. This variant is not present in population databases (gnomAD no frequency). This sequence change replaces methionine, which is neutral and non-polar, with valine, which is neutral and non-polar, at codon 330 of the APC protein (p.Met330Val).

NM_000038.6(APC):c.988A>G (p.Met330Val)

Gene: APC (APC regulator of Wnt signaling pathway; plus strand). Cytogenetic location: 5q22.2.
Variant type: single nucleotide variant.
Coding change: c.988A>G on transcript NM_000038.6 (MANE Select); coding-DNA position 988, A replaced by G.
Protein change: p.Met330Val; replaces methionine 330 with valine.
Molecular consequence: missense variant. On other transcripts: intron variant (4).
Genome position (GRCh38, 1-based): chr5:112,819,020, A>G. VCF-style: chr5-112819020-A-G. GRCh37 (hg19) VCF-style: chr5-112154717-A-G.
Other names: c.988A>G, p.Met330Val (NM_001127510.3, NM_001354895.2, NM_001354896.2); c.934A>G, p.Met312Val (NM_001127511.3); c.1018A>G, p.Met340Val (NM_001354897.2); c.913A>G, p.Met305Val (NM_001354898.2); c.904A>G, p.Met302Val (NM_001354899.2); c.811A>G, p.Met271Val (NM_001354900.2, NM_001354901.2); c.139A>G, p.Met47Val (NM_001354906.2); c.964-249A>G (NM_001354902.2); and 3 more; short protein forms M305V, M312V, M271V, M302V, M340V, M330V, M47V.
Identifiers: ClinVar variation 1524084 (VCV001524084.6), dbSNP rs2149779413, ClinGen allele CA16023475.